The following is an entry in ClinVar:

NM_130837.3(OPA1):c.634A>G (p.Arg212Gly)

Genes: OPA1 (OPA1 mitochondrial dynamin like GTPase; plus strand), OPA1-AS1 (OPA1 antisense RNA 1; minus strand). Cytogenetic location: 3q29.
Variant type: single nucleotide variant.
Coding change: c.634A>G on transcript NM_130837.3 (MANE Select); coding-DNA position 634, A replaced by G.
Protein change: p.Arg212Gly; replaces arginine 212 with glycine.
Molecular consequence: missense variant. On other transcripts: non-coding transcript variant (1).
Genome position (GRCh38, 1-based): chr3:193,618,892, A>G. VCF-style: chr3-193618892-A-G. GRCh37 (hg19) VCF-style: chr3-193336681-A-G.
Other names: c.100A>G, p.Arg34Gly (NM_001354663.2); c.208A>G, p.Arg70Gly (NM_001354664.2); c.580A>G, p.Arg194Gly (NM_015560.3, NM_130836.3); c.472A>G, p.Arg158Gly (NM_130831.3, NM_130833.3); c.526A>G, p.Arg176Gly (NM_130832.3, NM_130835.3); c.634A>G, p.Arg212Gly (NM_130834.3); short protein forms R158G, R176G, R34G, R70G, R194G, R212G.
Identifiers: ClinVar variation 3002617 (VCV003002617.4), dbSNP rs1729518334, ClinGen allele CA355788213.
Genomic context (GRCh38, chr3:193,618,892, plus strand): 5'-ACTGGAGAATGTAAAGGGTTGCATATTTATCTTTAAGGTTCTCCGGAAGAAACGGCGTTT[A>G]GAGCAACAGATCGTGGATCTGAAAGTGACAAGCATTTTAGAAAGGTAAGTGTAAAAGAGA-3'
Protein context (NP_570850.2, residues 202-222): LLGSPEETAF[Arg212Gly]ATDRGSESDK

ClinVar aggregate classification (germline): Uncertain significance. Review status: criteria provided, single submitter (1 of 4 stars). 2 submissions from 2 submitters: Uncertain significance (1). 1 of the submissions does not count toward it. Last evaluated 2023-01-28.

Conditions:
Retinal dystrophy. Also called: Inherited retinal dystrophy. Identifiers: Orphanet 71862, MedGen C0854723, MeSH D058499, MONDO:0019118, HP:0000556.

Allele frequency attached by ClinVar (database versions not stated): gnomAD exomes below 0.00001; TOPMed below 0.00001.
gnomAD v4.1: 1 of 1,613,996 alleles (0.000062%); highest among the groups gnomAD compares: Admixed American, 0.0017%; no homozygotes.

Submissions (2):

Labcorp Genetics (formerly Invitae), Labcorp
Classification: Uncertain significance. Last evaluated: 2023-01-28. Review status: criteria provided, single submitter. Criteria: Invitae Variant Classification Sherloc (09022015). Collection method: clinical testing. Allele origin: germline.
Comment: This sequence change replaces arginine, which is basic and polar, with glycine, which is neutral and non-polar, at codon 194 of the OPA1 protein (p.Arg194Gly). In summary, the available evidence is currently insufficient to determine the role of this variant in disease. Therefore, it has been classified as a Variant of Uncertain Significance. Advanced modeling of protein sequence and biophysical properties (such as structural, functional, and spatial information, amino acid conservation, physicochemical variation, residue mobility, and thermodynamic stability) performed at Invitae indicates that this missense variant is not expected to disrupt OPA1 protein function. This variant has not been reported in the literature in individuals affected with OPA1-related conditions. This variant is not present in population databases (gnomAD no frequency).

Institute of Human Genetics, Univ. Regensburg, Univ. Regensburg
Classification: Uncertain significance for Retinal dystrophy. Last evaluated: 2023-01-01. Review status: no assertion criteria provided. Criteria: ACMG Guidelines, 2015. Collection method: clinical testing. Allele origin: germline. Affected: yes. Not counted in ClinVar's aggregate classification.